The following is an entry in ClinVar:

ClinVar aggregate classification (germline): Uncertain significance. Review status: criteria provided, multiple submitters, no conflicts (2 of 4 stars). 2 submissions from 2 submitters: Uncertain significance (2). Last evaluated 2023-03-13.

Conditions:
Arrhythmogenic right ventricular dysplasia 13. Also called: ARRHYTHMOGENIC RIGHT VENTRICULAR CARDIOMYOPATHY 13; Arrhythmogenic right ventricular dysplasia, familial, 13. Identifiers: MedGen C3810138, MONDO:0000908, OMIM 615616.

Submissions (2):

Labcorp Genetics (formerly Invitae), Labcorp
Classification: Uncertain significance for Arrhythmogenic right ventricular dysplasia 13. Last evaluated: 2023-03-13. Review status: criteria provided, single submitter. Criteria: Invitae Variant Classification Sherloc (09022015). Collection method: clinical testing. Allele origin: germline.
Comment: This sequence change replaces threonine, which is neutral and polar, with serine, which is neutral and polar, at codon 292 of the CTNNA3 protein (p.Thr292Ser). This variant is not present in population databases (gnomAD no frequency). This variant has not been reported in the literature in individuals affected with CTNNA3-related conditions. ClinVar contains an entry for this variant (Variation ID: 1764523). Algorithms developed to predict the effect of missense changes on protein structure and function output the following: SIFT: "Not Available"; PolyPhen-2: "Benign"; Align-GVGD: "Not Available". The serine amino acid residue is found in multiple mammalian species, which suggests that this missense change does not adversely affect protein function. In summary, the available evidence is currently insufficient to determine the role of this variant in disease. Therefore, it has been classified as a Variant of Uncertain Significance.

Ambry Genetics
Classification: Uncertain significance. Last evaluated: 2023-02-16. Review status: criteria provided, single submitter. Criteria: Ambry Variant Classification Scheme 2023. Collection method: clinical testing. Allele origin: germline.

NM_013266.4(CTNNA3):c.874A>T (p.Thr292Ser)

Gene: CTNNA3 (catenin alpha 3; minus strand). Cytogenetic location: 10q21.3.
Variant type: single nucleotide variant.
Coding change: c.874A>T on transcript NM_013266.4 (MANE Select); coding-DNA position 874, A replaced by T.
Protein change: p.Thr292Ser; replaces threonine 292 with serine.
Molecular consequence: missense variant.
Genome position (GRCh38, 1-based): chr10:67,180,490, T>A on the plus strand (A>T on the coding strand, the complement: CTNNA3 is on the minus strand). VCF-style: chr10-67180490-T-A. GRCh37 (hg19) VCF-style: chr10-68940248-T-A.
Other names: c.874A>T, p.Thr292Ser (NM_001127384.3); c.910A>T, p.Thr304Ser (NM_001291133.2); short protein forms T304S, T292S.
Identifiers: ClinVar variation 1764523 (VCV001764523.5), dbSNP rs2547990748, ClinGen allele CA377097062.